The following is an entry in ClinVar:

ClinVar aggregate classification (germline): Uncertain significance (1 of 4 stars; one submission).

Submission:

GeneDx
Classification: Uncertain significance. Last evaluated: 2026-09-04. Review status: criteria provided, single submitter. Criteria: GeneDx Variant Classification Process June 2021. Collection method: clinical testing. Allele origin: germline.
Comment: Not observed at significant frequency in large population cohorts (gnomAD); In silico analysis supports that this missense variant has a deleterious effect on protein structure/function; Has not been previously published as pathogenic or benign to our knowledge

NM_001371928.1(AHDC1):c.3643C>T (p.Pro1215Ser)

Gene: AHDC1 (AT-hook DNA binding motif containing 1; minus strand). Cytogenetic location: 1p36.11.
Variant type: single nucleotide variant.
Coding change: c.3643C>T on transcript NM_001371928.1 (MANE Select); coding-DNA position 3643, C replaced by T.
Protein change: p.Pro1215Ser; replaces proline 1215 with serine.
Molecular consequence: missense variant.
Genome position (GRCh38, 1-based): chr1:27,548,473, G>A on the plus strand (C>T on the coding strand, the complement: AHDC1 is on the minus strand). VCF-style: chr1-27548473-G-A. GRCh37 (hg19) VCF-style: chr1-27874984-G-A.
Other names: c.3643C>T, p.Pro1215Ser (NM_001029882.3); short protein forms P1215S.
Identifiers: ClinVar variation 1700771 (VCV001700771.4), dbSNP rs952581481, ClinGen allele CA19872888.